The following is an entry in ClinVar:

ClinVar aggregate classification (germline): Uncertain significance (1 of 4 stars; one submission).

Conditions:
Autosomal dominant nocturnal frontal lobe epilepsy 5. Also called: KCNT1-Related Epilepsy; CILIARY DYSKINESIA, PRIMARY, 28, WITHOUT SITUS INVERSUS; CILIARY DYSKINESIA, PRIMARY, 28, WITH SITUS INVERSUS; Epilepsy, nocturnal frontal lobe, 5. Identifiers: Orphanet 98784, MedGen C3554306, MONDO:0014002, OMIM 615005.
Developmental and epileptic encephalopathy, 14 (DEE14). Also called: Early infantile epileptic encephalopathy 14. Identifiers: Orphanet 293181, MedGen C3554195, MONDO:0013989, OMIM 614959.

gnomAD v4.1: 3 of 1,550,172 alleles (0.00019%); highest among the groups gnomAD compares: Non-Finnish European, 0.00026%; no homozygotes.

Submission:

Labcorp Genetics (formerly Invitae), Labcorp
Classification: Uncertain significance for Autosomal dominant nocturnal frontal lobe epilepsy 5; Developmental and epileptic encephalopathy, 14. Last evaluated: 2024-06-29. Review status: criteria provided, single submitter. Criteria: Invitae Variant Classification Sherloc (09022015). Collection method: clinical testing. Allele origin: germline.
Comment: This sequence change falls in intron 13 of the KCNT1 gene. It does not directly change the encoded amino acid sequence of the KCNT1 protein. This variant is not present in population databases (gnomAD no frequency). This variant has not been reported in the literature in individuals affected with KCNT1-related conditions. Algorithms developed to predict the effect of sequence changes on RNA splicing suggest that this variant may disrupt the consensus splice site. In summary, the available evidence is currently insufficient to determine the role of this variant in disease. Therefore, it has been classified as a Variant of Uncertain Significance.

NM_020822.3(KCNT1):c.1338-5T>C

Gene: KCNT1 (potassium sodium-activated channel subfamily T member 1; plus strand). Cytogenetic location: 9q34.3.
Variant type: single nucleotide variant.
Coding change: c.1338-5T>C on transcript NM_020822.3 (MANE Select); 5 bases into the intron before coding-DNA position 1338, T replaced by C.
Molecular consequence: intron variant.
Genome position (GRCh38, 1-based): chr9:135,768,605, T>C. VCF-style: chr9-135768605-T-C. GRCh37 (hg19) VCF-style: chr9-138660451-T-C.
Other names: c.1203-5T>C (NM_001272003.2).
Identifiers: ClinVar variation 3757040 (VCV003757040.2).
Genomic context (GRCh38, chr9:135,768,605, plus strand): 5'-CGCACCCCCGGCTGCACTGCCCACCTCCCCTGCTCCACCCACGCTCAGGCCCTGGTGCAT[T>C]GCAGGATGGACAATGGGGAGGCCTGCTTCATCCTCAGCAGCAGGAACGAGGTGGACCGCA-3'